The following is an entry in ClinVar:

ClinVar aggregate classification (germline): Uncertain significance (1 of 4 stars; one submission).

Conditions:
Early-infantile DEE. Also called: Early infantile epileptic encephalopathy with suppression bursts; Early infantile epileptic encephalopathy; Ohtahara syndrome. Identifiers: Orphanet 1934, MedGen C0393706, MONDO:0800491.

Submission:

Labcorp Genetics (formerly Invitae), Labcorp
Classification: Uncertain significance for Early-infantile DEE. Last evaluated: 2022-07-18. Review status: criteria provided, single submitter. Criteria: Invitae Variant Classification Sherloc (09022015). Collection method: clinical testing. Allele origin: germline.
Comment: ClinVar contains an entry for this variant (Variation ID: 1461430). In summary, the available evidence is currently insufficient to determine the role of this variant in disease. Therefore, it has been classified as a Variant of Uncertain Significance. Algorithms developed to predict the effect of sequence changes on RNA splicing suggest that this variant may create or strengthen a splice site. Advanced modeling of protein sequence and biophysical properties (such as structural, functional, and spatial information, amino acid conservation, physicochemical variation, residue mobility, and thermodynamic stability) performed at Invitae indicates that this missense variant is not expected to disrupt KCNH5 protein function. This variant has not been reported in the literature in individuals affected with KCNH5-related conditions. This variant is not present in population databases (gnomAD no frequency). This sequence change replaces glutamic acid, which is acidic and polar, with valine, which is neutral and non-polar, at codon 944 of the KCNH5 protein (p.Glu944Val).

NM_139318.5(KCNH5):c.2831A>T (p.Glu944Val)

Gene: KCNH5 (potassium voltage-gated channel subfamily H member 5; minus strand). Cytogenetic location: 14q23.2.
Variant type: single nucleotide variant.
Coding change: c.2831A>T on transcript NM_139318.5 (MANE Select); coding-DNA position 2831, A replaced by T.
Protein change: p.Glu944Val; replaces glutamic acid 944 with valine.
Molecular consequence: missense variant. On other transcripts: 3 prime UTR variant (1).
Genome position (GRCh38, 1-based): chr14:62,707,644, T>A on the plus strand (A>T on the coding strand, the complement: KCNH5 is on the minus strand). VCF-style: chr14-62707644-T-A. GRCh37 (hg19) VCF-style: chr14-63174362-T-A.
Other names: c.*798A>T (NM_172375.3); short protein forms E944V.
Identifiers: ClinVar variation 1461430 (VCV001461430.7), dbSNP rs2139898468, ClinGen allele CA390099735.